The following is an entry in ClinVar:

ClinVar aggregate classification (germline): Uncertain significance (1 of 4 stars; one submission).

Conditions:
Cardiomyopathy (CMYO). Also called: Cardiomyopathies. Identifiers: Orphanet 167848, MedGen C0878544, MONDO:0004994, HP:0001638. Inheritance: Various modes of inheritance.

Submission:

Color Diagnostics, LLC DBA Color Health
Classification: Uncertain significance for Cardiomyopathy. Last evaluated: 2024-03-07. Review status: criteria provided, single submitter. Criteria: ACMG Guidelines, 2015. Collection method: clinical testing. Allele origin: germline.
Comment: This missense variant replaces tyrosine with histidine at codon 2874 of the RYR2 protein. Computational prediction suggests that this variant may have deleterious impact on protein structure and function (internally defined REVEL score threshold >= 0.7, PMID: 27666373). To our knowledge, functional studies have not been reported for this variant. This variant has not been reported in individuals affected with cardiovascular disorders in the literature. This variant has not been identified in the general population by the Genome Aggregation Database (gnomAD). The available evidence is insufficient to determine the role of this variant in disease conclusively. Therefore, this variant is classified as a Variant of Uncertain Significance.

NM_001035.3(RYR2):c.8620T>C (p.Tyr2874His)

Gene: RYR2 (ryanodine receptor 2; plus strand). Cytogenetic location: 1q43.
Variant type: single nucleotide variant.
Coding change: c.8620T>C on transcript NM_001035.3 (MANE Select); coding-DNA position 8620, T replaced by C.
Protein change: p.Tyr2874His; replaces tyrosine 2874 with histidine.
Molecular consequence: missense variant.
Genome position (GRCh38, 1-based): chr1:237,674,125, T>C. VCF-style: chr1-237674125-T-C. GRCh37 (hg19) VCF-style: chr1-237837425-T-C.
Other names: short protein forms Y2874H.
Identifiers: ClinVar variation 2774353 (VCV002774353.2), dbSNP rs2547213068, ClinGen allele CA345402964.
Genomic context (GRCh38, chr1:237,674,125, plus strand): 5'-ATGCTGTGTTCTTGTCCTGACATACTCTTAGGAGGAGGAAACCATCCTCTGCTGGTGCCC[T>C]ATGATACACTGACAGCCAAAGAGAAAGCCAAGGATAGAGAAAAAGCACAGGACATCCTCA-3'
Protein context (NP_001026.2, residues 2864-2884): GGGNHPLLVP[Tyr2874His]DTLTAKEKAK